The following is an entry in ClinVar:

ClinVar aggregate classification (germline): Likely pathogenic. Review status: criteria provided, multiple submitters, no conflicts (2 of 4 stars). 3 submissions from 3 submitters: Likely pathogenic (2). 1 of the submissions does not count toward it. Last evaluated 2025-07-24.

Conditions:
Hereditary cancer-predisposing syndrome. Also called: Tumor predisposition; Hereditary Cancer Syndrome; Neoplastic Syndromes, Hereditary; Hereditary neoplastic syndrome. Identifiers: Orphanet 140162, MedGen C0027672, MeSH D009386, MONDO:0015356.
Tuberous sclerosis 2 (TSC2). Identifiers: Orphanet 805, MedGen C1860707, MONDO:0013199, OMIM 613254.
Tuberous sclerosis syndrome (TSC). Also called: Tuberous Sclerosis Complex; Tuberous sclerosis. Identifiers: Orphanet 805, MedGen C0041341, MONDO:0001734.

Submissions (3):

Ambry Genetics
Classification: Likely pathogenic for Hereditary cancer-predisposing syndrome. Last evaluated: 2025-07-24. Review status: criteria provided, single submitter. Criteria: Ambry Variant Classification Scheme 2023. Collection method: clinical testing. Allele origin: germline.
Comment: The c.1862_1864delTGC variant (also known as p.L621del) is located in coding exon 17 of the TSC2 gene. This variant results from an in-frame TGC deletion at nucleotide positions 1862 to 1864. This results in the in-frame deletion of a leucine at codon 621. This variant was reported in individual(s) with features consistent with tuberous sclerosis complex (TSC) (Niida Y et al. J Hum Genet, 2013 Apr;58:216-25; Ambry internal data). This amino acid position is well conserved in available vertebrate species and the impacted region is critical for protein function (Ambry internal data). In addition, this variant is predicted to be deleterious by in silico analysis (Choi Y et al. PLoS ONE. 2012; 7(10):e46688). Based on the majority of available evidence to date, this variant is likely to be pathogenic.

Division of Genomic Medicine, Department of Advanced Medicine, Medical Research Institute, Kanazawa Medical University
Classification: Likely pathogenic for Tuberous sclerosis 2. Last evaluated: 2020-07-10. Review status: criteria provided, single submitter. Criteria: ACMG Guidelines, 2015. Collection method: clinical testing. Allele origin: germline. Affected: yes. Observed: 1 variant allele.

Tuberous sclerosis database (TSC2)
No classification provided. Condition: TSC. Review status: no classification provided. Criteria: Tuberous Sclerosis Database Assertion Criteria 2015. Collection method: curation. Allele origin: germline. Affected: yes. Not counted in ClinVar's aggregate classification.

Literature cited by the submitters: PubMed 23389244 (cited by Ambry Genetics).

NM_000548.5(TSC2):c.1856TGC[2] (p.Leu621del)

Gene: TSC2 (TSC complex subunit 2; plus strand). Cytogenetic location: 16p13.3.
Variant type: Microsatellite.
Coding change: c.1856TGC[2] on transcript NM_000548.5 (MANE Select); two copies in a row of the 3-base unit TGC starting at c.1856; the reference has three copies in a row; one copy, 3 bases deleted; also written c.1862_1864del.
Protein change: p.Leu621del; deletes leucine 621.
Molecular consequence: inframe deletion.
Genome position (GRCh38, 1-based): chr16:2,071,532-2,071,534, TGC deleted; deleting any 3 consecutive bases within chr16:2,071,526-2,071,534 gives the same sequence; the position shown is the placement nearest the transcript's 3' end. VCF-style (leftmost placement, unchanged base first): chr16-2071525-TTGC-T. GRCh37 (hg19) VCF-style: chr16-2121526-TTGC-T.
Other names: c.1856TGC[2], p.Leu621del (NM_001077183.3, NM_001114382.3, NM_001363528.2 and 3 more transcripts); c.1745TGC[2], p.Leu584del (NM_001318827.2); c.1709TGC[2], p.Leu572del (NM_001318829.2); c.1256TGC[2], p.Leu421del (NM_001318831.2); c.1889TGC[2], p.Leu632del (NM_001318832.2); c.1862_1864del (NM_000548.5); c.1862_1864delTGC (NM_000548.3); short protein forms L621del, L584del, L421del, L572del, L632del.
Identifiers: ClinVar variation 65268 (VCV000065268.3), dbSNP rs397515195, ClinGen allele CA016066.